The following is an entry in ClinVar:

ClinVar aggregate classification (germline): Uncertain significance (1 of 4 stars; one submission).

Conditions:
BNC2-related disorder. Also called: BNC2-related condition.

gnomAD v4.1: 50 of 1,614,000 alleles (0.0031%); highest among the groups gnomAD compares: Non-Finnish European, 0.004%; no homozygotes.

Submission:

PreventionGenetics, part of Exact Sciences
Classification: Uncertain significance for BNC2-related condition. Last evaluated: 2025-01-15. Review status: criteria provided, single submitter. Criteria: ACMG Guidelines, 2015. Collection method: clinical testing. Allele origin: germline.
Comment: The BNC2 c.2486G>T variant is predicted to result in the amino acid substitution p.Ser829Ile. To our knowledge, this variant has not been reported in the literature. This variant is reported in 0.0035% of alleles in individuals of European (non-Finnish) descent in gnomAD. At this time, the clinical significance of this variant is uncertain due to the absence of conclusive functional and genetic evidence.

NM_017637.6(BNC2):c.2486G>T (p.Ser829Ile)

Genes: BNC2 (basonuclin zinc finger protein 2; minus strand), LOC126860585 (MED14-independent group 3 enhancer GRCh37_chr9:16435259-16436458; plus strand). Cytogenetic location: 9p22.3.
Variant type: single nucleotide variant.
Coding change: c.2486G>T on transcript NM_017637.6 (MANE Select); coding-DNA position 2486, G replaced by T.
Protein change: p.Ser829Ile; replaces serine 829 with isoleucine.
Molecular consequence: missense variant.
Genome position (GRCh38, 1-based): chr9:16,435,708, C>A on the plus strand (G>T on the coding strand, the complement: BNC2 is on the minus strand). VCF-style: chr9-16435708-C-A. GRCh37 (hg19) VCF-style: chr9-16435706-C-A.
Other names: c.2360G>T, p.Ser787Ile (NM_001317939.2); c.2201G>T, p.Ser734Ile (NM_001317940.2); short protein forms S734I, S787I, S829I.
Identifiers: ClinVar variation 4979751 (VCV004979751.1).